The following is an entry in ClinVar:

NM_000051.4(ATM):c.7265A>T (p.Glu2422Val)

Genes: ATM (ATM serine/threonine kinase; plus strand), C11orf65 (chromosome 11 open reading frame 65; minus strand). Cytogenetic location: 11q22.3.
Variant type: single nucleotide variant.
Coding change: c.7265A>T on transcript NM_000051.4 (MANE Select); coding-DNA position 7265, A replaced by T.
Protein change: p.Glu2422Val; replaces glutamic acid 2422 with valine.
Molecular consequence: missense variant. On other transcripts: intron variant (2).
Genome position (GRCh38, 1-based): chr11:108,329,196, A>T. VCF-style: chr11-108329196-A-T. GRCh37 (hg19) VCF-style: chr11-108199923-A-T.
Other names: c.7265A>T, p.Glu2422Val (NM_001351834.2); c.641-20125T>A (NM_001330368.2); c.*38+6024T>A (NM_001351110.2); short protein forms E2422V.
Identifiers: ClinVar variation 3799539 (VCV003799539.1).
Genomic context (GRCh38, chr11:108,329,196, plus strand): 5'-AAAACTACATGAAATCATCGGAATTTGAAAACAAGCAAGCTCTCCTGAAAAGAGCCAAAG[A>T]GGAAGTAGGTCTCCTTAGGGAACATAAAATTCAGACAAACAGGTAACTAGGTTTCTACAA-3'
Protein context (NP_000042.3, residues 2412-2432): NKQALLKRAK[Glu2422Val]EVGLLREHKI

ClinVar aggregate classification (germline): Uncertain significance (1 of 4 stars; one submission).

Conditions:
Hereditary cancer-predisposing syndrome. Also called: Neoplastic Syndromes, Hereditary; Tumor predisposition; Hereditary Cancer Syndrome; Hereditary neoplastic syndrome. Identifiers: Orphanet 140162, MedGen C0027672, MeSH D009386, MONDO:0015356.

Submission:

Ambry Genetics
Classification: Uncertain significance for Hereditary cancer-predisposing syndrome. Last evaluated: 2025-01-23. Review status: criteria provided, single submitter. Criteria: Ambry Variant Classification Scheme 2023. Collection method: clinical testing. Allele origin: germline.
Comment: The p.E2422V variant (also known as c.7265A>T), located in coding exon 48 of the ATM gene, results from an A to T substitution at nucleotide position 7265. The glutamic acid at codon 2422 is replaced by valine, an amino acid with dissimilar properties. This amino acid position is conserved. In addition, this alteration is predicted to be deleterious by in silico analysis. Based on the available evidence, the clinical significance of this variant remains unclear.